The following is an entry in ClinVar:

ClinVar aggregate classification (germline): Benign/Likely benign. Review status: criteria provided, multiple submitters, no conflicts (2 of 4 stars). 2 submissions from 2 submitters: Benign (1); Likely benign (1). Last evaluated 2024-09-12.

Conditions:
Hereditary diffuse gastric adenocarcinoma (HDGC). Also called: DIFFUSE GASTRIC AND LOBULAR BREAST CANCER SYNDROME. Identifiers: Orphanet 26106, MedGen C1708349, MONDO:0007648, OMIM 137215.

Submissions (2):

Myriad Genetics, Inc.
Classification: Benign for Hereditary diffuse gastric adenocarcinoma. Last evaluated: 2024-09-12. Review status: criteria provided, single submitter. Criteria: Myriad Autosomal Dominant, Autosomal Recessive and X-Linked Classification Criteria (2023). Collection method: clinical testing. Allele origin: unknown.
Comment: This variant is considered benign. This variant is a silent/synonymous amino acid change and it is not expected to impact splicing.

Labcorp Genetics (formerly Invitae), Labcorp
Classification: Likely benign for Hereditary diffuse gastric adenocarcinoma. Last evaluated: 2020-03-04. Review status: criteria provided, single submitter. Criteria: Invitae Variant Classification Sherloc (09022015). Collection method: clinical testing. Allele origin: germline.

NM_004360.5(CDH1):c.255C>T (p.Val85=)

Gene: CDH1 (cadherin 1; plus strand). Cytogenetic location: 16q22.1.
Variant type: single nucleotide variant.
Coding change: c.255C>T on transcript NM_004360.5 (MANE Select); coding-DNA position 255, C replaced by T.
Protein change: p.Val85=; no amino-acid change (valine 85 retained).
Molecular consequence: synonymous variant. On other transcripts: 5 prime UTR variant (2).
Genome position (GRCh38, 1-based): chr16:68,801,761, C>T. VCF-style: chr16-68801761-C-T. GRCh37 (hg19) VCF-style: chr16-68835664-C-T.
Other names: c.255C>T, p.Val85= (NM_001317184.2); c.-1361C>T (NM_001317185.2); c.-1565C>T (NM_001317186.2).
Identifiers: ClinVar variation 1092570 (VCV001092570.10), dbSNP rs755461028, ClinGen allele CA496152644.
Genomic context (GRCh38, chr16:68,801,761, plus strand): 5'-GACAGCCTATTTTTCCCTCGACACCCGATTCAAAGTGGGCACAGATGGTGTGATTACAGT[C>T]AAAAGGCCTCTACGGTTTCATAACCCACAGATCCATTTCTTGGTCTACGCCTGGGACTCC-3'
Protein context (NP_004351.1, residues 75-95): FKVGTDGVIT[Val85=]KRPLRFHNPQ